The following is an entry in ClinVar:

ClinVar aggregate classification (germline): Uncertain significance (1 of 4 stars; one submission).

gnomAD v4.1: 19 of 1,595,750 alleles (0.0012%); highest among the groups gnomAD compares: Non-Finnish European, 0.0016%; no homozygotes.

Submission:

Labcorp Genetics (formerly Invitae), Labcorp
Classification: Uncertain significance. Last evaluated: 2024-08-10. Review status: criteria provided, single submitter. Criteria: Invitae Variant Classification Sherloc (09022015). Collection method: clinical testing. Allele origin: germline.
Comment: This sequence change replaces threonine, which is neutral and polar, with alanine, which is neutral and non-polar, at codon 219 of the POLE2 protein (p.Thr219Ala). This variant is present in population databases (rs374671423, gnomAD 0.0009%). This variant has not been reported in the literature in individuals affected with POLE2-related conditions. An algorithm developed to predict the effect of missense changes on protein structure and function (PolyPhen-2) suggests that this variant is likely to be disruptive. In summary, the available evidence is currently insufficient to determine the role of this variant in disease. Therefore, it has been classified as a Variant of Uncertain Significance.

NM_002692.4(POLE2):c.655A>G (p.Thr219Ala)

Gene: POLE2 (DNA polymerase epsilon 2, accessory subunit; minus strand). Cytogenetic location: 14q21.3.
Variant type: single nucleotide variant.
Coding change: c.655A>G on transcript NM_002692.4 (MANE Select); coding-DNA position 655, A replaced by G.
Protein change: p.Thr219Ala; replaces threonine 219 with alanine.
Molecular consequence: missense variant.
Genome position (GRCh38, 1-based): chr14:49,664,653, T>C on the plus strand (A>G on the coding strand, the complement: POLE2 is on the minus strand). VCF-style: chr14-49664653-T-C. GRCh37 (hg19) VCF-style: chr14-50131371-T-C.
Other names: c.577A>G, p.Thr193Ala (NM_001197330.2); c.655A>G, p.Thr219Ala (NM_001197331.3, NM_001348384.2); c.424A>G, p.Thr142Ala (NM_001348385.2); short protein forms T142A, T193A, T219A.
Identifiers: ClinVar variation 3709487 (VCV003709487.2).